The following is an entry in ClinVar:

NM_000059.4(BRCA2):c.4408_4411delinsTT (p.Ile1470fs)

Gene: BRCA2 (BRCA2 DNA repair associated; plus strand). Cytogenetic location: 13q13.1.
Variant type: Indel.
Coding change: c.4408_4411delinsTT on transcript NM_000059.4 (MANE Select); coding-DNA positions 4408 to 4411, ATAA replaced by TT.
Protein change: p.Ile1470fs; shifts the reading frame from isoleucine 1470.
Molecular consequence: frameshift variant.
Genome position (GRCh38, 1-based): chr13:32,338,763-32,338,766, ATAA replaced by TT. VCF-style: chr13-32338763-ATAA-TT. GRCh37 (hg19) VCF-style: chr13-32912900-ATAA-TT.
Other names: short protein forms I1470fs.
Identifiers: ClinVar variation 919420 (VCV000919420.3), dbSNP rs2072503441, ClinGen allele CA913188578.

ClinVar aggregate classification (germline): Pathogenic (1 of 4 stars; one submission).

Conditions:
Hereditary cancer-predisposing syndrome. Also called: Neoplastic Syndromes, Hereditary; Tumor predisposition; Hereditary Cancer Syndrome; Hereditary neoplastic syndrome. Identifiers: Orphanet 140162, MedGen C0027672, MeSH D009386, MONDO:0015356.

Submission:

Color Diagnostics, LLC DBA Color Health
Classification: Pathogenic for Hereditary cancer-predisposing syndrome. Last evaluated: 2020-05-14. Review status: criteria provided, single submitter. Criteria: ACMG Guidelines, 2015. Collection method: clinical testing. Allele origin: germline.
Comment: This variant replaces 4 nucleotides in exon 11 of the BRCA2 gene, creating a frameshift and premature translation stop signal. This variant is expected to result in an absent or non-functional protein product. To our knowledge, this variant has not been reported in individuals affected with hereditary cancer in the literature. This variant has not been identified in the general population by the Genome Aggregation Database (gnomAD). Loss of BRCA2 function is a known mechanism of disease. Based on the available evidence, this variant is classified as Pathogenic.